The following is an entry in ClinVar:

NM_000554.6(CRX):c.841A>G (p.Asn281Asp)

Gene: CRX (cone-rod homeobox; plus strand). Cytogenetic location: 19q13.33.
Variant type: single nucleotide variant.
Coding change: c.841A>G on transcript NM_000554.6 (MANE Select); coding-DNA position 841, A replaced by G.
Protein change: p.Asn281Asp; replaces asparagine 281 with aspartic acid.
Molecular consequence: missense variant.
Genome position (GRCh38, 1-based): chr19:47,839,908, A>G. VCF-style: chr19-47839908-A-G. GRCh37 (hg19) VCF-style: chr19-48343165-A-G.
Other names: short protein forms N281D.
Identifiers: ClinVar variation 1051600 (VCV001051600.9), dbSNP rs2123743725, ClinGen allele CA406631914.

ClinVar aggregate classification (germline): Uncertain significance (1 of 4 stars; one submission).

Conditions:
Cone-rod dystrophy 2 (CORD2). Also called: CONE-ROD RETINAL DYSTROPHY; Cone-rod retinal dystrophy 2. Identifiers: Orphanet 1872, MedGen C3489532, MONDO:0007362, OMIM 120970.
Leber congenital amaurosis 7 (LCA7). Identifiers: Orphanet 65, MedGen C3151192, MONDO:0013449, OMIM 613829.

Submission:

Labcorp Genetics (formerly Invitae), Labcorp
Classification: Uncertain significance for Cone-rod dystrophy 2; Leber congenital amaurosis 7. Last evaluated: 2020-02-02. Review status: criteria provided, single submitter. Criteria: Invitae Variant Classification Sherloc (09022015). Collection method: clinical testing. Allele origin: germline.
Comment: In summary, the available evidence is currently insufficient to determine the role of this variant in disease. Therefore, it has been classified as a Variant of Uncertain Significance. Algorithms developed to predict the effect of missense changes on protein structure and function are either unavailable or do not agree on the potential impact of this missense change (SIFT: "Deleterious"; PolyPhen-2: "Possibly Damaging"; Align-GVGD: "Class C15"). This variant has not been reported in the literature in individuals with CRX-related conditions. This variant is not present in population databases (ExAC no frequency). This sequence change replaces asparagine with aspartic acid at codon 281 of the CRX protein (p.Asn281Asp). The asparagine residue is highly conserved and there is a small physicochemical difference between asparagine and aspartic acid.